The following is an entry in ClinVar:

ClinVar aggregate classification (germline): Uncertain significance (1 of 4 stars; one submission).

Conditions:
TTN-related disorder. Also called: TTN-related condition; TTN-related disease; TTN-related disorders.

gnomAD v4.1: 27 of 1,613,038 alleles (0.0017%); highest among the groups gnomAD compares: Admixed American, 0.045%; 1 homozygote.

Submission:

PreventionGenetics, part of Exact Sciences
Classification: Uncertain significance for TTN-related condition. Last evaluated: 2026-09-06. Review status: criteria provided, single submitter. Criteria: ACMG Guidelines, 2015. Collection method: clinical testing. Allele origin: germline.
Comment: The TTN c.39602A>T variant is predicted to result in the amino acid substitution p.Lys13201Met. To our knowledge, this variant has not been reported in the literature. This variant is reported in 0.017% of alleles in individuals of Latino descent in gnomAD. At this time, the clinical significance of this variant is uncertain due to the absence of conclusive functional and genetic evidence.

NM_001267550.2(TTN):c.39602A>T (p.Lys13201Met)

Gene: TTN (titin; minus strand). Cytogenetic location: 2q31.2.
Variant type: single nucleotide variant.
Coding change: c.39602A>T on transcript NM_001267550.2 (MANE Select); coding-DNA position 39602, A replaced by T.
Protein change: p.Lys13201Met; replaces lysine 13201 with methionine.
Molecular consequence: missense variant. On other transcripts: intron variant (3).
Genome position (GRCh38, 1-based): chr2:178,651,266, T>A on the plus strand (A>T on the coding strand, the complement: TTN is on the minus strand). VCF-style: chr2-178651266-T-A. GRCh37 (hg19) VCF-style: chr2-179515993-T-A.
Other names: c.35081A>T, p.Lys11694Met (NM_001256850.1); c.32300A>T, p.Lys10767Met (NM_133378.4); c.13283-8949A>T (NM_003319.4); c.13859-8949A>T (NM_133437.4); c.13658-8949A>T (NM_133432.3); short protein forms K11694M, K10767M, K13201M.
Identifiers: ClinVar variation 4978398 (VCV004978398.1).
Genomic context (GRCh38, chr2:178,651,266, plus strand): 5'-GAGTGCTTTTCTGCAGAATCTCATTAGTGACATGTACCTTTTGCTGGTGGGACTTCTGGC[T>A]TTTTGGGAACAGCTACTTTCTTTTCTGGAACAACTTCTTTTGGAACTTCAGGCACTTCAA-3'
Protein context (NP_001254479.2, residues 13191-13211): VPEKKVAVPK[Lys13201Met]PEVPPAKVPE